The following is an entry in ClinVar:

ClinVar aggregate classification (germline): Uncertain significance (1 of 4 stars; one submission).

Conditions:
Brugada syndrome 4 (BRGDA4). Identifiers: Orphanet 130, MedGen C2678477, MONDO:0012743, OMIM 611876.

gnomAD v4.1: 10 of 1,614,116 alleles (0.00062%); highest among the groups gnomAD compares: Middle Eastern, 0.099%; no homozygotes.

Submission:

Labcorp Genetics (formerly Invitae), Labcorp
Classification: Uncertain significance for Brugada syndrome 4. Last evaluated: 2024-04-10. Review status: criteria provided, single submitter. Criteria: Invitae Variant Classification Sherloc (09022015). Collection method: clinical testing. Allele origin: germline.
Comment: This sequence change replaces glutamic acid, which is acidic and polar, with glutamine, which is neutral and polar, at codon 39 of the CACNB2 protein (p.Glu39Gln). This variant is present in population databases (no rsID available, gnomAD 0.0009%). This variant has not been reported in the literature in individuals affected with CACNB2-related conditions. Advanced modeling of protein sequence and biophysical properties (such as structural, functional, and spatial information, amino acid conservation, physicochemical variation, residue mobility, and thermodynamic stability) performed at Invitae indicates that this missense variant is not expected to disrupt CACNB2 protein function with a negative predictive value of 80%. In summary, the available evidence is currently insufficient to determine the role of this variant in disease. Therefore, it has been classified as a Variant of Uncertain Significance.

NM_201596.3(CACNB2):c.277G>C (p.Glu93Gln)

Gene: CACNB2 (calcium voltage-gated channel auxiliary subunit beta 2; plus strand). Cytogenetic location: 10p12.31.
Variant type: single nucleotide variant.
Coding change: c.277G>C on transcript NM_201596.3 (MANE Select); coding-DNA position 277, G replaced by C.
Protein change: p.Glu93Gln; replaces glutamic acid 93 with glutamine.
Molecular consequence: missense variant.
Genome position (GRCh38, 1-based): chr10:18,401,987, G>C. VCF-style: chr10-18401987-G-C. GRCh37 (hg19) VCF-style: chr10-18690916-G-C.
Other names: c.115G>C, p.Glu39Gln (NM_201590.3); c.277G>C, p.Glu93Gln (NM_201593.3, NM_201597.3); c.133G>C, p.Glu45Gln (NM_001410882.1, NM_201570.3); c.193G>C, p.Glu65Gln (NM_201571.4, NM_201572.4, NM_001167945.2); c.112G>C, p.Glu38Gln (NM_000724.4, NM_001330060.2); short protein forms E39Q, E65Q, E38Q, E45Q, E93Q.
Identifiers: ClinVar variation 3706074 (VCV003706074.2).